The following is an entry in ClinVar:

NM_006766.5(KAT6A):c.20C>T (p.Pro7Leu)

Gene: KAT6A (lysine acetyltransferase 6A; minus strand). Cytogenetic location: 8p11.21.
Variant type: single nucleotide variant.
Coding change: c.20C>T on transcript NM_006766.5 (MANE Select); coding-DNA position 20, C replaced by T.
Protein change: p.Pro7Leu; replaces proline 7 with leucine.
Molecular consequence: missense variant.
Genome position (GRCh38, 1-based): chr8:42,048,958, G>A on the plus strand (C>T on the coding strand, the complement: KAT6A is on the minus strand). VCF-style: chr8-42048958-G-A. GRCh37 (hg19) VCF-style: chr8-41906476-G-A.
Other names: c.20C>T, p.Pro7Leu (NM_001305878.2); short protein forms P7L.
Identifiers: ClinVar variation 1721069 (VCV001721069.5), dbSNP rs1425919147, ClinGen allele CA371175605.

ClinVar aggregate classification (germline): Uncertain significance (1 of 4 stars; one submission).

Allele frequency attached by ClinVar (database versions not stated): TOPMed 0.00001.
gnomAD v4.1: 4 of 1,612,216 alleles (0.00025%); highest among the groups gnomAD compares: African/African-American, 0.0013%; no homozygotes.

Submission:

Labcorp Genetics (formerly Invitae), Labcorp
Classification: Uncertain significance. Last evaluated: 2024-08-14. Review status: criteria provided, single submitter. Criteria: Invitae Variant Classification Sherloc (09022015). Collection method: clinical testing. Allele origin: germline.
Comment: This sequence change replaces proline, which is neutral and non-polar, with leucine, which is neutral and non-polar, at codon 7 of the KAT6A protein (p.Pro7Leu). This variant is not present in population databases (gnomAD no frequency). This variant has not been reported in the literature in individuals affected with KAT6A-related conditions. ClinVar contains an entry for this variant (Variation ID: 1721069). Invitae Evidence Modeling of protein sequence and biophysical properties (such as structural, functional, and spatial information, amino acid conservation, physicochemical variation, residue mobility, and thermodynamic stability) indicates that this missense variant is not expected to disrupt KAT6A protein function with a negative predictive value of 80%. In summary, the available evidence is currently insufficient to determine the role of this variant in disease. Therefore, it has been classified as a Variant of Uncertain Significance.